The following is an entry in ClinVar:

NM_014905.5(GLS):c.671_681del (p.Phe224fs)

Gene: GLS (glutaminase; plus strand). Cytogenetic location: 2q32.2.
Variant type: Deletion.
Coding change: c.671_681del on transcript NM_014905.5 (MANE Select); coding-DNA positions 671 to 681, 11 bases deleted (TTATGTCTTTT).
Protein change: p.Phe224fs; shifts the reading frame from phenylalanine 224.
Molecular consequence: frameshift variant.
Genome position (GRCh38, 1-based): chr2:190,900,629-190,900,639, TTATGTCTTTT deleted; deleting any 11 consecutive bases within chr2:190,900,628-190,900,639 gives the same sequence; the c. name uses the placement nearest the transcript's 3' end. VCF-style (leftmost placement, unchanged base first): chr2-190900627-CTTTATGTCTTT-C. GRCh37 (hg19) VCF-style: chr2-191765353-CTTTATGTCTTT-C.
Other names: p.Phe224Tyrfs*5; c.671_681del, p.Phe224fs (NM_001256310.2); short protein forms F224fs.
Identifiers: ClinVar variation 3364564 (VCV003364564.3).

ClinVar aggregate classification (germline): Pathogenic. Review status: criteria provided, multiple submitters, no conflicts (2 of 4 stars). 2 submissions from 2 submitters: Pathogenic (2). Last evaluated 2026-01-09.

Conditions:
Global developmental delay, progressive ataxia, and elevated glutamine. Also called: GLUTAMINASE DEFICIENCY WITH IMPAIRED INTELLECTUAL DEVELOPMENT AND PROGRESSIVE ATAXIA. Identifiers: MedGen C5193080, MONDO:0032733, OMIM 618412.

Submissions (2):

Undiagnosed Diseases Network, NIH
Classification: Pathogenic for Global developmental delay, progressive ataxia, and elevated glutamine. Last evaluated: 2026-01-09. Review status: criteria provided, single submitter. Criteria: ACMG Guidelines, 2015. Collection method: clinical testing. Allele origin: maternal. Inheritance: Autosomal recessive inheritance. Affected: yes. Observed: 1 variant allele, 1 heterozygote. Study: Undiagnosed Diseases Network (NIH), UDN.

GeneDx
Classification: Pathogenic. Last evaluated: 2025-08-19. Review status: criteria provided, single submitter. Criteria: GeneDx Variant Classification Process June 2021. Collection method: clinical testing. Allele origin: germline.
Comment: Frameshift variant predicted to result in protein truncation or nonsense mediated decay in a gene for which loss of function is a known mechanism of disease; Not observed at significant frequency in large population cohorts (gnomAD); This variant is associated with the following publications: (PMID: 35913761)